The following is an entry in ClinVar:

ClinVar aggregate classification (germline): Uncertain significance (1 of 4 stars; one submission).

Conditions:
Kleefstra syndrome 1 (KLEFS1). Identifiers: Orphanet 261494, MedGen C0795833, MONDO:0027407, OMIM 610253.

Allele frequency attached by ClinVar (database versions not stated): gnomAD 0.00001; TOPMed below 0.00001.
gnomAD v4.1: 4 of 1,613,178 alleles (0.00025%); highest among the groups gnomAD compares: East Asian, 0.0022%; no homozygotes.

Submission:

Labcorp Genetics (formerly Invitae), Labcorp
Classification: Uncertain significance for Kleefstra syndrome 1. Last evaluated: 2022-12-06. Review status: criteria provided, single submitter. Criteria: Invitae Variant Classification Sherloc (09022015). Collection method: clinical testing. Allele origin: germline.
Comment: In summary, the available evidence is currently insufficient to determine the role of this variant in disease. Therefore, it has been classified as a Variant of Uncertain Significance. Algorithms developed to predict the effect of missense changes on protein structure and function are either unavailable or do not agree on the potential impact of this missense change (SIFT: "Deleterious"; PolyPhen-2: "Possibly Damaging"; Align-GVGD: "Class C0"). ClinVar contains an entry for this variant (Variation ID: 837922). This variant has not been reported in the literature in individuals affected with EHMT1-related conditions. This variant is not present in population databases (gnomAD no frequency). This sequence change replaces alanine, which is neutral and non-polar, with glycine, which is neutral and non-polar, at codon 92 of the EHMT1 protein (p.Ala92Gly).

NM_024757.5(EHMT1):c.275C>G (p.Ala92Gly)

Gene: EHMT1 (euchromatic histone lysine methyltransferase 1; plus strand). Cytogenetic location: 9q34.3.
Variant type: single nucleotide variant.
Coding change: c.275C>G on transcript NM_024757.5 (MANE Select); coding-DNA position 275, C replaced by G.
Protein change: p.Ala92Gly; replaces alanine 92 with glycine.
Molecular consequence: missense variant.
Genome position (GRCh38, 1-based): chr9:137,716,815, C>G. VCF-style: chr9-137716815-C-G. GRCh37 (hg19) VCF-style: chr9-140611267-C-G.
Other names: c.275C>G, p.Ala92Gly (NM_001145527.2, NM_001354263.2, NM_001354611.2); c.182C>G, p.Ala61Gly (NM_001354259.2, NM_001354612.2); short protein forms A92G, A61G.
Identifiers: ClinVar variation 837922 (VCV000837922.11), dbSNP rs1361231265, ClinGen allele CA375763906.